The following is an entry in ClinVar:

NM_024665.7(TBL1XR1):c.551T>G (p.Leu184Arg)

Gene: TBL1XR1 (TBL1X/Y related 1; minus strand). Cytogenetic location: 3q26.32.
Variant type: single nucleotide variant.
Coding change: c.551T>G on transcript NM_024665.7 (MANE Select); coding-DNA position 551, T replaced by G.
Protein change: p.Leu184Arg; replaces leucine 184 with arginine.
Molecular consequence: missense variant.
Genome position (GRCh38, 1-based): chr3:177,050,487, A>C on the plus strand (T>G on the coding strand, the complement: TBL1XR1 is on the minus strand). VCF-style: chr3-177050487-A-C. GRCh37 (hg19) VCF-style: chr3-176768275-A-C.
Other names: c.551T>G, p.Leu184Arg (NM_001321193.3, NM_001321194.3, NM_001374327.1 and 2 more transcripts); c.290T>G, p.Leu97Arg (NM_001321195.3, NM_001374330.1); short protein forms L184R, L97R.
Identifiers: ClinVar variation 4536235 (VCV004536235.1).

ClinVar aggregate classification (germline): Likely pathogenic (1 of 4 stars; one submission).

Submission:

GeneDx
Classification: Likely pathogenic. Last evaluated: 2025-06-06. Review status: criteria provided, single submitter. Criteria: GeneDx Variant Classification Process June 2021. Collection method: clinical testing. Allele origin: germline. Affected: yes.
Comment: Not observed at significant frequency in large population cohorts (gnomAD); In silico analysis supports that this missense variant has a deleterious effect on protein structure/function; Has not been previously published as pathogenic or benign to our knowledge